The following is an entry in ClinVar:

NM_000038.6(APC):c.2048C>G (p.Thr683Ser)

Gene: APC (APC regulator of Wnt signaling pathway; plus strand). Cytogenetic location: 5q22.2.
Variant type: single nucleotide variant.
Coding change: c.2048C>G on transcript NM_000038.6 (MANE Select); coding-DNA position 2048, C replaced by G.
Protein change: p.Thr683Ser; replaces threonine 683 with serine.
Molecular consequence: missense variant.
Genome position (GRCh38, 1-based): chr5:112,837,642, C>G. VCF-style: chr5-112837642-C-G. GRCh37 (hg19) VCF-style: chr5-112173339-C-G.
Other names: c.2048C>G, p.Thr683Ser (NM_001127510.3, NM_001354895.2, NM_001407450.1); c.1994C>G, p.Thr665Ser (NM_001127511.3); c.2102C>G, p.Thr701Ser (NM_001354896.2, NM_001407447.1, NM_001407448.1 and 1 more transcripts); c.2078C>G, p.Thr693Ser (NM_001354897.2); c.1973C>G, p.Thr658Ser (NM_001354898.2); c.1964C>G, p.Thr655Ser (NM_001354899.2); c.1925C>G, p.Thr642Ser (NM_001354900.2); c.1871C>G, p.Thr624Ser (NM_001354901.2, NM_001407453.1); and 11 more; short protein forms T582S, T592S, T624S, T658S, T673S, T676S, T683S, T693S.
Identifiers: ClinVar variation 1785000 (VCV001785000.2), dbSNP rs2149859455, ClinGen allele CA16025799.

ClinVar aggregate classification (germline): Uncertain significance (1 of 4 stars; one submission).

Conditions:
Hereditary cancer-predisposing syndrome. Also called: Neoplastic Syndromes, Hereditary; Tumor predisposition; Hereditary Cancer Syndrome; Hereditary neoplastic syndrome. Identifiers: Orphanet 140162, MedGen C0027672, MeSH D009386, MONDO:0015356.

Submission:

Ambry Genetics
Classification: Uncertain significance for Hereditary cancer-predisposing syndrome. Last evaluated: 2022-07-10. Review status: criteria provided, single submitter. Criteria: Ambry Variant Classification Scheme 2023. Collection method: clinical testing. Allele origin: germline.
Comment: The p.T683S variant (also known as c.2048C>G), located in coding exon 15 of the APC gene, results from a C to G substitution at nucleotide position 2048. The threonine at codon 683 is replaced by serine, an amino acid with similar properties. This amino acid position is conserved. In addition, in silico predictors for this gene do not accurately predict pathogenicity. Since supporting evidence is limited at this time, the clinical significance of this alteration remains unclear.